The following is an entry in ClinVar:

NM_001197104.2(KMT2A):c.5543C>T (p.Thr1848Ile)

Gene: KMT2A (lysine methyltransferase 2A; plus strand). Cytogenetic location: 11q23.3.
Variant type: single nucleotide variant.
Coding change: c.5543C>T on transcript NM_001197104.2 (MANE Select); coding-DNA position 5543, C replaced by T.
Protein change: p.Thr1848Ile; replaces threonine 1848 with isoleucine.
Molecular consequence: missense variant.
Genome position (GRCh38, 1-based): chr11:118,495,879, C>T. VCF-style: chr11-118495879-C-T. GRCh37 (hg19) VCF-style: chr11-118366594-C-T.
Other names: c.5633C>T, p.Thr1878Ile (NM_001412597.1); c.5534C>T, p.Thr1845Ile (NM_005933.4); short protein forms T1845I, T1848I, T1878I.
Identifiers: ClinVar variation 3619337 (VCV003619337.2).

ClinVar aggregate classification (germline): Uncertain significance (1 of 4 stars; one submission).

Submission:

Labcorp Genetics (formerly Invitae), Labcorp
Classification: Uncertain significance. Last evaluated: 2024-02-17. Review status: criteria provided, single submitter. Criteria: Invitae Variant Classification Sherloc (09022015). Collection method: clinical testing. Allele origin: germline.
Comment: This sequence change replaces threonine, which is neutral and polar, with isoleucine, which is neutral and non-polar, at codon 1848 of the KMT2A protein (p.Thr1848Ile). This variant is present in population databases (rs193192906, gnomAD 0.007%). This variant has not been reported in the literature in individuals affected with KMT2A-related conditions. Advanced modeling of protein sequence and biophysical properties (such as structural, functional, and spatial information, amino acid conservation, physicochemical variation, residue mobility, and thermodynamic stability) has been performed at Invitae for this missense variant, however the output from this modeling did not meet the statistical confidence thresholds required to predict the impact of this variant on KMT2A protein function. In summary, the available evidence is currently insufficient to determine the role of this variant in disease. Therefore, it has been classified as a Variant of Uncertain Significance.